The following is an entry in ClinVar:

ClinVar aggregate classification (germline): Uncertain significance (1 of 4 stars; one submission).

Conditions:
Immunodeficiency-centromeric instability-facial anomalies syndrome 2 (ICF2). Identifiers: Orphanet 2268, MedGen C3279748, MONDO:0013553, OMIM 614069.

Allele frequency attached by ClinVar (database versions not stated): ExAC 0.00001; TOPMed 0.00001; ESP Exome Variant Server 0.00008.
gnomAD v4.1: 6 of 1,614,216 alleles (0.00037%); highest among the groups gnomAD compares: South Asian, 0.0033%; no homozygotes.

Submission:

Labcorp Genetics (formerly Invitae), Labcorp
Classification: Uncertain significance for Immunodeficiency-centromeric instability-facial anomalies syndrome 2. Last evaluated: 2022-07-21. Review status: criteria provided, single submitter. Criteria: Invitae Variant Classification Sherloc (09022015). Collection method: clinical testing. Allele origin: germline.
Comment: This sequence change replaces alanine, which is neutral and non-polar, with valine, which is neutral and non-polar, at codon 111 of the ZBTB24 protein (p.Ala111Val). This variant is present in population databases (rs374001267, gnomAD 0.003%). This variant has not been reported in the literature in individuals affected with ZBTB24-related conditions. Algorithms developed to predict the effect of missense changes on protein structure and function are either unavailable or do not agree on the potential impact of this missense change (SIFT: "Not Available"; PolyPhen-2: "Probably Damaging"; Align-GVGD: "Not Available"). In summary, the available evidence is currently insufficient to determine the role of this variant in disease. Therefore, it has been classified as a Variant of Uncertain Significance.

NM_014797.3(ZBTB24):c.332C>T (p.Ala111Val)

Gene: ZBTB24 (zinc finger and BTB domain containing 24; minus strand). Cytogenetic location: 6q21.
Variant type: single nucleotide variant.
Coding change: c.332C>T on transcript NM_014797.3 (MANE Select); coding-DNA position 332, C replaced by T.
Protein change: p.Ala111Val; replaces alanine 111 with valine.
Molecular consequence: missense variant.
Genome position (GRCh38, 1-based): chr6:109,481,695, G>A on the plus strand (C>T on the coding strand, the complement: ZBTB24 is on the minus strand). VCF-style: chr6-109481695-G-A. GRCh37 (hg19) VCF-style: chr6-109802898-G-A.
Other names: c.332C>T, p.Ala111Val (NM_001164313.2); short protein forms A111V.
Identifiers: ClinVar variation 1985247 (VCV001985247.1), dbSNP rs374001267, ClinGen allele CA3954363.